The following is an entry in ClinVar:

ClinVar aggregate classification (germline): Likely benign. Review status: criteria provided, multiple submitters, no conflicts (2 of 4 stars). 3 submissions from 3 submitters: Likely benign (3). Last evaluated 2026-01-13.

Conditions:
Papillary renal cell carcinoma type 1 (RCCP1). Also called: RENAL CELL CARCINOMA, PAPILLARY, 1, SOMATIC; Renal adenocarcinoma; Renal cell carcinoma 1; Renal cell carcinoma, somatic. Identifiers: Orphanet 47044, MedGen C1336839, OMIM 605074, HP:0011797.
Renal cell carcinoma. Identifiers: Orphanet 217071, MedGen C0007134, MeSH D002292, MONDO:0005086, HP:0005584.

Submissions (3):

Labcorp Genetics (formerly Invitae), Labcorp
Classification: Likely benign for Renal cell carcinoma. Last evaluated: 2026-01-13. Review status: criteria provided, single submitter. Criteria: Invitae Variant Classification Sherloc (09022015). Collection method: clinical testing. Allele origin: germline.

Myriad Genetics, Inc.
Classification: Likely benign for Papillary renal cell carcinoma type 1. Last evaluated: 2024-11-08. Review status: criteria provided, single submitter. Criteria: Myriad Autosomal Dominant, Autosomal Recessive and X-Linked Classification Criteria (2023). Collection method: clinical testing. Allele origin: unknown.
Comment: This variant is considered likely benign. This variant is intronic and is not expected to impact mRNA splicing.

Blueprint Genetics
Classification: Likely benign. Last evaluated: 2021-03-15. Review status: criteria provided, single submitter. Criteria: ACMG Guidelines, 2015. Collection method: clinical testing. Allele origin: germline.

NM_000245.4(MET):c.2103-6G>A

Gene: MET (MET proto-oncogene, receptor tyrosine kinase; plus strand). Cytogenetic location: 7q31.2.
Variant type: single nucleotide variant.
Coding change: c.2103-6G>A on transcript NM_000245.4 (MANE Select); 6 bases into the intron before coding-DNA position 2103, G replaced by A.
Molecular consequence: intron variant.
Genome position (GRCh38, 1-based): chr7:116,758,453, G>A. VCF-style: chr7-116758453-G-A. GRCh37 (hg19) VCF-style: chr7-116398507-G-A.
Other names: c.2103-6G>A (NM_001127500.3, NM_001324401.3); c.813-6G>A (NM_001324402.2).
Identifiers: ClinVar variation 1161736 (VCV001161736.11), dbSNP rs1475118987, ClinGen allele CA2499218669.